The following is an entry in ClinVar:

NM_003628.6(PKP4):c.2777G>T (p.Gly926Val)

Genes: PKP4 (plakophilin 4; plus strand), PKP4-AS1 (PKP4 antisense RNA 1; minus strand). Cytogenetic location: 2q24.1.
Variant type: single nucleotide variant.
Coding change: c.2777G>T on transcript NM_003628.6 (MANE Select); coding-DNA position 2777, G replaced by T.
Protein change: p.Gly926Val; replaces glycine 926 with valine.
Molecular consequence: missense variant.
Genome position (GRCh38, 1-based): chr2:158,669,768, G>T. VCF-style: chr2-158669768-G-T. GRCh37 (hg19) VCF-style: chr2-159526280-G-T.
Other names: c.2777G>T, p.Gly926Val (NM_001005476.4, NM_001377218.1, NM_001377225.1); c.2774G>T, p.Gly925Val (NM_001304969.3, NM_001377219.1, NM_001377220.1 and 2 more transcripts); c.1748G>T, p.Gly583Val (NM_001304970.3); c.2771G>T, p.Gly924Val (NM_001377222.1, NM_001377223.1); c.2768G>T, p.Gly923Val (NM_001377224.1); short protein forms G583V, G923V, G925V, G926V, G924V.
Identifiers: ClinVar variation 4138160 (VCV004138160.1).
Genomic context (GRCh38, chr2:158,669,768, plus strand): 5'-TGCCGTTGGCAGGCAAATACGCCATGCGAGACCTGGTCAACCGGCTCCCCGGCGGCAATG[G>T]CCCCAGTGTCTTGTCTGATGAGACCATGGCAGCCATCTGCTGTGCTCTGCACGAGGTCAC-3'
Protein context (NP_003619.2, residues 916-936): DLVNRLPGGN[Gly926Val]PSVLSDETMA

ClinVar aggregate classification (germline): Uncertain significance (1 of 4 stars; one submission).

Submission:

Ambry Genetics
Classification: Uncertain significance. Last evaluated: 2025-08-24. Review status: criteria provided, single submitter. Criteria: Ambry Variant Classification Scheme 2023. Collection method: clinical testing. Allele origin: germline.
Comment: The p.G926V variant (also known as c.2777G>T), located in coding exon 16 of the PKP4 gene, results from a G to T substitution at nucleotide position 2777. The glycine at codon 926 is replaced by valine, an amino acid with dissimilar properties. This amino acid position is conserved. In addition, this alteration is predicted to be tolerated by in silico analysis. Based on the available evidence, the clinical significance of this variant remains unclear.